The following is an entry in ClinVar:

NM_002519.3(NPAT):c.3862A>G (p.Lys1288Glu)

Gene: NPAT (nuclear protein, coactivator of histone transcription; minus strand). Cytogenetic location: 11q22.3.
Variant type: single nucleotide variant.
Coding change: c.3862A>G on transcript NM_002519.3 (MANE Select); coding-DNA position 3862, A replaced by G.
Protein change: p.Lys1288Glu; replaces lysine 1288 with glutamic acid.
Molecular consequence: missense variant.
Genome position (GRCh38, 1-based): chr11:108,161,224, T>C on the plus strand (A>G on the coding strand, the complement: NPAT is on the minus strand). VCF-style: chr11-108161224-T-C. GRCh37 (hg19) VCF-style: chr11-108031951-T-C.
Other names: c.3883A>G, p.Lys1295Glu (NM_001321307.1); short protein forms K1288E, K1295E.
Identifiers: ClinVar variation 2855867 (VCV002855867.3), dbSNP rs2496694337, ClinGen allele CA382509884.

ClinVar aggregate classification (germline): Uncertain significance (1 of 4 stars; one submission).

Submission:

Labcorp Genetics (formerly Invitae), Labcorp
Classification: Uncertain significance. Last evaluated: 2023-04-13. Review status: criteria provided, single submitter. Criteria: Invitae Variant Classification Sherloc (09022015). Collection method: clinical testing. Allele origin: germline.
Comment: In summary, the available evidence is currently insufficient to determine the role of this variant in disease. Therefore, it has been classified as a Variant of Uncertain Significance. An algorithm developed to predict the effect of missense changes on protein structure and function (PolyPhen-2) suggests that this variant is likely to be disruptive. This variant has not been reported in the literature in individuals affected with NPAT-related conditions. This variant is not present in population databases (gnomAD no frequency). This sequence change replaces lysine, which is basic and polar, with glutamic acid, which is acidic and polar, at codon 1288 of the NPAT protein (p.Lys1288Glu).